The following is an entry in ClinVar:

ClinVar aggregate classification (germline): Uncertain significance (1 of 4 stars; one submission).

Conditions:
Aortic aneurysm, familial thoracic 7 (AAT7). Also called: AORTIC DISSECTION, FAMILIAL, WITH OR WITHOUT AORTIC ANEURYSM. Identifiers: MedGen C3151077, MONDO:0013418, OMIM 613780.

Allele frequency attached by ClinVar (database versions not stated): TOPMed below 0.00001; gnomAD 0.00001.

Submission:

Labcorp Genetics (formerly Invitae), Labcorp
Classification: Uncertain significance for Aortic aneurysm, familial thoracic 7. Last evaluated: 2022-06-25. Review status: criteria provided, single submitter. Criteria: Invitae Variant Classification Sherloc (09022015). Collection method: clinical testing. Allele origin: germline.
Comment: This variant is present in population databases (no rsID available, gnomAD 0.01%). In summary, the available evidence is currently insufficient to determine the role of this variant in disease. Therefore, it has been classified as a Variant of Uncertain Significance. Advanced modeling of protein sequence and biophysical properties (such as structural, functional, and spatial information, amino acid conservation, physicochemical variation, residue mobility, and thermodynamic stability) performed at Invitae indicates that this missense variant is not expected to disrupt MYLK protein function. This variant has not been reported in the literature in individuals affected with MYLK-related conditions. This sequence change replaces proline, which is neutral and non-polar, with leucine, which is neutral and non-polar, at codon 376 of the MYLK protein (p.Pro376Leu).

NM_053025.4(MYLK):c.1127C>T (p.Pro376Leu)

Gene: MYLK (myosin light chain kinase; minus strand). Cytogenetic location: 3q21.1.
Variant type: single nucleotide variant.
Coding change: c.1127C>T on transcript NM_053025.4 (MANE Select); coding-DNA position 1127, C replaced by T.
Protein change: p.Pro376Leu; replaces proline 376 with leucine.
Molecular consequence: missense variant.
Genome position (GRCh38, 1-based): chr3:123,733,869, G>A on the plus strand (C>T on the coding strand, the complement: MYLK is on the minus strand). VCF-style: chr3-123733869-G-A. GRCh37 (hg19) VCF-style: chr3-123452716-G-A.
Other names: c.599C>T, p.Pro200Leu (NM_001321309.2); c.1127C>T, p.Pro376Leu (NM_053026.4, NM_053027.4, NM_053028.4); short protein forms P200L, P376L.
Identifiers: ClinVar variation 2163107 (VCV002163107.4), dbSNP rs1451597389, ClinGen allele CA354239456.